The following is an entry in ClinVar:

ClinVar aggregate classification (germline): Uncertain significance. Review status: criteria provided, multiple submitters, no conflicts (2 of 4 stars). 2 submissions from 2 submitters: Uncertain significance (2). Last evaluated 2024-04-16.

Conditions:
MEGF10-related myopathy (CMYO10A). Also called: Congenital myopathy 10A, severe variant. Identifiers: Orphanet 439212, MedGen C3280679, MONDO:0013731, OMIM 614399.
Inborn genetic diseases. Identifiers: MedGen C0950123, MeSH D030342.

Allele frequency attached by ClinVar (database versions not stated): gnomAD exomes below 0.00001; gnomAD 0.00002; TOPMed 0.00002.
gnomAD v4.1: 6 of 1,613,030 alleles (0.00037%); highest among the groups gnomAD compares: Admixed American, 0.0033%; no homozygotes.

Submissions (2):

Labcorp Genetics (formerly Invitae), Labcorp
Classification: Uncertain significance for MEGF10-related myopathy. Last evaluated: 2024-04-16. Review status: criteria provided, single submitter. Criteria: Invitae Variant Classification Sherloc (09022015). Collection method: clinical testing. Allele origin: germline.
Comment: This sequence change replaces isoleucine, which is neutral and non-polar, with phenylalanine, which is neutral and non-polar, at codon 834 of the MEGF10 protein (p.Ile834Phe). This variant is present in population databases (no rsID available, gnomAD 0.003%). This variant has not been reported in the literature in individuals affected with MEGF10-related conditions. ClinVar contains an entry for this variant (Variation ID: 862859). An algorithm developed to predict the effect of missense changes on protein structure and function (PolyPhen-2) suggests that this variant is likely to be tolerated. In summary, the available evidence is currently insufficient to determine the role of this variant in disease. Therefore, it has been classified as a Variant of Uncertain Significance.

Ambry Genetics
Classification: Uncertain significance for Inborn genetic diseases. Last evaluated: 2022-08-01. Review status: criteria provided, single submitter. Criteria: Ambry Variant Classification Scheme 2023. Collection method: clinical testing. Allele origin: germline.

NM_001256545.2(MEGF10):c.2500A>T (p.Ile834Phe)

Gene: MEGF10 (multiple EGF like domains 10; plus strand). Cytogenetic location: 5q23.2.
Variant type: single nucleotide variant.
Coding change: c.2500A>T on transcript NM_001256545.2 (MANE Select); coding-DNA position 2500, A replaced by T.
Protein change: p.Ile834Phe; replaces isoleucine 834 with phenylalanine.
Molecular consequence: missense variant.
Genome position (GRCh38, 1-based): chr5:127,445,465, A>T. VCF-style: chr5-127445465-A-T. GRCh37 (hg19) VCF-style: chr5-126781157-A-T.
Other names: c.2500A>T, p.Ile834Phe (NM_032446.3); short protein forms I834F.
Identifiers: ClinVar variation 862859 (VCV000862859.9), dbSNP rs1300616206, ClinGen allele CA360734538.